The following is an entry in ClinVar:

NM_201253.3(CRB1):c.4136A>C (p.Tyr1379Ser)

Gene: CRB1 (crumbs cell polarity complex component 1; plus strand). Cytogenetic location: 1q31.3.
Variant type: single nucleotide variant.
Coding change: c.4136A>C on transcript NM_201253.3 (MANE Select); coding-DNA position 4136, A replaced by C.
Protein change: p.Tyr1379Ser; replaces tyrosine 1379 with serine.
Molecular consequence: missense variant. On other transcripts: non-coding transcript variant (2).
Genome position (GRCh38, 1-based): chr1:197,477,794, A>C. VCF-style: chr1-197477794-A-C. GRCh37 (hg19) VCF-style: chr1-197446924-A-C.
Other names: c.3800A>C, p.Tyr1267Ser (NM_001193640.2); c.4064A>C, p.Tyr1355Ser (NM_001257965.2); c.2528A>C, p.Tyr843Ser (NM_001257966.2); short protein forms Y843S, Y1267S, Y1355S, Y1379S.
Identifiers: ClinVar variation 1046475 (VCV001046475.10), dbSNP rs1571645532, ClinGen allele CA344035743.

ClinVar aggregate classification (germline): Uncertain significance (1 of 4 stars; one submission).

Conditions:
Leber congenital amaurosis 8 (LCA8). Identifiers: Orphanet 65, MedGen C3151202, MONDO:0013453, OMIM 613835.
Retinitis pigmentosa 12 (RP12). Also called: RP WITH OR WITHOUT PPRPE; RP WITH OR WITHOUT PRESERVED PARAARTERIOLE RETINAL PIGMENT EPITHELIUM; RETINITIS PIGMENTOSA WITH OR WITHOUT PARAARTERIOLAR PRESERVATION OF RETINAL PIGMENT EPITHELIUM. Identifiers: Orphanet 791, MedGen C1838647, MONDO:0010818, OMIM 600105.

Submission:

Labcorp Genetics (formerly Invitae), Labcorp
Classification: Uncertain significance for Leber congenital amaurosis 8; Retinitis pigmentosa 12. Last evaluated: 2022-03-10. Review status: criteria provided, single submitter. Criteria: Invitae Variant Classification Sherloc (09022015). Collection method: clinical testing. Allele origin: germline.
Comment: This sequence change replaces tyrosine, which is neutral and polar, with serine, which is neutral and polar, at codon 1379 of the CRB1 protein (p.Tyr1379Ser). This variant is not present in population databases (gnomAD no frequency). This missense change has been observed in individual(s) with clinical features of CRB1-related conditions (Invitae). ClinVar contains an entry for this variant (Variation ID: 1046475). Advanced modeling of protein sequence and biophysical properties (such as structural, functional, and spatial information, amino acid conservation, physicochemical variation, residue mobility, and thermodynamic stability) performed at Invitae indicates that this missense variant is expected to disrupt CRB1 protein function. In summary, the available evidence is currently insufficient to determine the role of this variant in disease. Therefore, it has been classified as a Variant of Uncertain Significance.